The following is an entry in ClinVar:

NM_004153.4(ORC1):c.2159G>A (p.Arg720Gln)

Gene: ORC1 (origin recognition complex subunit 1; minus strand). Cytogenetic location: 1p32.3.
Variant type: single nucleotide variant.
Coding change: c.2159G>A on transcript NM_004153.4 (MANE Select); coding-DNA position 2159, G replaced by A.
Protein change: p.Arg720Gln; replaces arginine 720 with glutamine.
Molecular consequence: missense variant.
Genome position (GRCh38, 1-based): chr1:52,375,574, C>T on the plus strand (G>A on the coding strand, the complement: ORC1 is on the minus strand). VCF-style: chr1-52375574-C-T. GRCh37 (hg19) VCF-style: chr1-52841246-C-T.
Other names: c.2159G>A, p.Arg720Gln (NM_001190818.2); c.2144G>A, p.Arg715Gln (NM_001190819.2); short protein forms R720Q, R715Q.
Identifiers: ClinVar variation 30233 (VCV000030233.16), dbSNP rs387906828, ClinGen allele CA129047.

ClinVar aggregate classification (germline): Likely pathogenic. Review status: criteria provided, multiple submitters, no conflicts (2 of 4 stars). 6 submissions from 6 submitters: Likely pathogenic (5). 1 of the submissions does not count toward it. Last evaluated 2026-03-25.

Conditions:
Fetal anomalies with a likely genetic cause.
ORC1-related disorder. Also called: ORC1-related condition.
Meier-Gorlin syndrome 1 (MGORS1). Also called: EAR, PATELLA, SHORT STATURE SYNDROME. Identifiers: Orphanet 2554, MedGen C4552001, MONDO:0009143, OMIM 224690.

Allele frequency attached by ClinVar (database versions not stated): gnomAD 0.00003 and 0.00002; TOPMed 0.00004; gnomAD exomes 0.00005 and 0.00015; ExAC 0.00007; 1000 Genomes Project 30x 0.00016; 1000 Genomes Project 0.00020.
gnomAD v4.1: 220 of 1,614,054 alleles (0.014%); highest among the groups gnomAD compares: Non-Finnish European, 0.018%; no homozygotes.

Submissions (6):

Genetics Laboratory, Great Ormond Street Hospital NHS Foundation Trust, North Thames Genomic Laboratory Hub
Classification: Likely pathogenic for Fetal anomalies with a likely genetic cause. Last evaluated: 2026-03-25. Review status: criteria provided, single submitter. Criteria: ACGS Best Practice Guidelines for Variant Classification in Rare Disease 2024 v1.2. Collection method: clinical testing. Allele origin: germline. Affected: yes.
Comment: PM1_moderate, PM3_moderate, PP4_moderate

Dasa
Classification: Likely pathogenic. Last evaluated: 2025-12-11. Review status: criteria provided, single submitter. Criteria: DASA Assertion Criteria. Collection method: clinical testing. Allele origin: germline.
Comment: NM_004153.4(ORC1):c.2159G>A (p.Arg720Gln) is a missense variant that results in the substitution of arginine with glutamine. The affected residue or protein region has prior evidence supporting clinical relevance. This variant has been reported in individuals with ORC1-related disorders (PMID: 21358633). Functional evidence supports an impact on the gene or gene product. Also, this variant is rare in population databases. Computational evidence supports a deleterious effect. Based on the currently available evidence, this variant is classified as likely pathogenic.

PreventionGenetics, part of Exact Sciences
Classification: Likely pathogenic for ORC1-related condition. Last evaluated: 2024-11-18. Review status: criteria provided, single submitter. Criteria: ACMG Guidelines, 2015. Collection method: clinical testing. Allele origin: germline.
Comment: The ORC1 c.2159G>A variant is predicted to result in the amino acid substitution p.Arg720Gln. This variant has been reported in individuals with ORC1-related primordial dwarfism or Meier-Gorlin syndrome (Bicknell et al. 2011. PubMed ID: 21358633; de Munnik et al. 2012. PubMed ID: 22333897). This variant is reported in 0.010% of alleles in individuals of European (Non-Finnish) descent in gnomAD. This variant is interpreted as likely pathogenic.

Labcorp Genetics (formerly Invitae), Labcorp
Classification: Likely pathogenic. Last evaluated: 2024-08-20. Review status: criteria provided, single submitter. Criteria: Invitae Variant Classification Sherloc (09022015). Collection method: clinical testing. Allele origin: germline.
Comment: This sequence change replaces arginine, which is basic and polar, with glutamine, which is neutral and polar, at codon 720 of the ORC1 protein (p.Arg720Gln). This variant is present in population databases (rs387906828, gnomAD 0.01%). This missense change has been observed in individual(s) with Meier-Gorlin syndrome (PMID: 21358633; Invitae). In at least one individual the data is consistent with being in trans (on the opposite chromosome) from a pathogenic variant. ClinVar contains an entry for this variant (Variation ID: 30233). Invitae Evidence Modeling of protein sequence and biophysical properties (such as structural, functional, and spatial information, amino acid conservation, physicochemical variation, residue mobility, and thermodynamic stability) indicates that this missense variant is expected to disrupt ORC1 protein function with a positive predictive value of 80%. Experimental studies have shown that this missense change affects ORC1 function (PMID: 28112645). In summary, the currently available evidence indicates that the variant is pathogenic, but additional data are needed to prove that conclusively. Therefore, this variant has been classified as Likely Pathogenic.

Genetic Services Laboratory, University of Chicago
Classification: Likely pathogenic. Last evaluated: 2021-09-07. Review status: criteria provided, single submitter. Criteria: ACMG Guidelines, 2015. Collection method: clinical testing. Allele origin: germline. Affected: yes.
Comment: The sequence change, c.2159G>A, in exon 15 results in an amino acid change, p.Arg720Gln. This sequence change has been previously described in the compound heterozygous state with p.Arg105Gln in an individual with ORC1-related disorder (PMID: 21358633). This sequence change has been described in the gnomAD database with a low frequency of 0.010% in non-Finnish European subpopulation only (dbSNP rs387906828). The p.Arg720Gln change affects a highly conserved amino acid residue of the ORC1 protein. The p.Arg720Gln substitution appears to be deleterious using several in-silico pathogenicity prediction tools (SIFT, PolyPhen2, Align GVGD, REVEL). Functional studies of cell line derived from patient carrying p.Arg720Gln/p.R105Q shows p.Arg720Gln/p.R105Q disrupts the function of the ORC1 protein (PMID: 21358633). Collectively this evidence suggests p.Arg720Gln is likely pathogenic.

OMIM
Classification: Pathogenic for MEIER-GORLIN SYNDROME 1. Last evaluated: 2011-02-27. Review status: no assertion criteria provided. Collection method: literature only. Allele origin: germline. Not counted in ClinVar's aggregate classification.

Literature cited by the submitters: PubMed 21358633 (cited by 3 submitters); PubMed 22333897 (cited by Dasa); PubMed 33761311 (cited by Dasa); PubMed 28112645 (cited by Dasa and Labcorp Genetics (formerly Invitae), Labcorp).